The following is an entry in ClinVar:

ClinVar aggregate classification (germline): Likely benign (0 of 4 stars; one submission).

Conditions:
SF3B4-related disorder. Also called: SF3B4-related condition.

Allele frequency attached by ClinVar (database versions not stated): TOPMed below 0.00001.

Submission:

PreventionGenetics, part of Exact Sciences
Classification: Likely benign for SF3B4-related condition. Last evaluated: 2024-02-16. Review status: no assertion criteria provided. Collection method: clinical testing. Allele origin: germline.
Comment: This variant is classified as likely benign based on ACMG/AMP sequence variant interpretation guidelines (Richards et al. 2015 PMID: 25741868, with internal and published modifications).

NM_005850.5(SF3B4):c.327T>G (p.Pro109=)

Gene: SF3B4 (splicing factor 3b subunit 4; minus strand). Cytogenetic location: 1q21.2.
Variant type: single nucleotide variant.
Coding change: c.327T>G on transcript NM_005850.5 (MANE Select); coding-DNA position 327, T replaced by G.
Protein change: p.Pro109=; no amino-acid change (proline 109 retained).
Molecular consequence: synonymous variant.
Genome position (GRCh38, 1-based): chr1:149,926,755, A>C on the plus strand (T>G on the coding strand, the complement: SF3B4 is on the minus strand). VCF-style: chr1-149926755-A-C. GRCh37 (hg19) VCF-style: chr1-149898647-A-C.
Identifiers: ClinVar variation 3031898 (VCV003031898.2), dbSNP rs2092592203, ClinGen allele CA420892447.